The following is an entry in ClinVar:

NM_000289.6(PFKM):c.184G>T (p.Gly62Ter)

Gene: PFKM (phosphofructokinase, muscle; plus strand). Cytogenetic location: 12q13.11.
Variant type: single nucleotide variant.
Coding change: c.184G>T on transcript NM_000289.6 (MANE Select); coding-DNA position 184, G replaced by T.
Protein change: p.Gly62Ter; replaces glycine 62 with a stop codon.
Molecular consequence: nonsense. On other transcripts: non-coding transcript variant (6).
Genome position (GRCh38, 1-based): chr12:48,131,340, G>T. VCF-style: chr12-48131340-G-T. GRCh37 (hg19) VCF-style: chr12-48525123-G-T.
Other names: c.397G>T, p.Gly133Ter (NM_001166686.2, NM_001354737.1, NM_001354738.1 and 1 more transcripts); c.184G>T, p.Gly62Ter (NM_001166687.2, NM_001166688.2, NM_001354742.2 and 4 more transcripts); c.493G>T, p.Gly165Ter (NM_001354735.1, NM_001354736.1); c.328G>T, p.Gly110Ter (NM_001354740.1); c.208G>T, p.Gly70Ter (NM_001354741.2); c.97G>T, p.Gly33Ter (NM_001354745.2); c.34G>T, p.Gly12Ter (NM_001354747.2, NM_001354748.2); short protein forms G110*, G12*, G133*, G165*, G33*, G62*, G70*.
Identifiers: ClinVar variation 1726653 (VCV001726653.2), dbSNP rs762942366, ClinGen allele CA384539305.

ClinVar aggregate classification (germline): Likely pathogenic (1 of 4 stars; one submission).

Conditions:
Glycogen storage disease, type VII (GSD7). Also called: PFKM DEFICIENCY; TARUI DISEASE; GSD VII; MUSCLE PHOSPHOFRUCTOKINASE DEFICIENCY. Identifiers: Orphanet 371, MedGen C0017926, MONDO:0009295, OMIM 232800.

Submission:

Myriad Genetics, Inc.
Classification: Likely pathogenic for Glycogen storage disease, type VII. Last evaluated: 2021-12-30. Review status: criteria provided, single submitter. Criteria: Myriad Women's Health Autosomal Recessive and X-Linked Classification Criteria (2021). Collection method: clinical testing. Allele origin: unknown.
Comment: NM_001166686.1(PFKM):c.397G>T(G133*) is expected to be pathogenic in the context of glycogen storage disease type VII. This variant is predicted to lead to an abnormal or absent protein product due to the creation of a premature termination codon in PFKM, a gene where loss-of-function variants are known to be pathogenic. Please note: this variant was assessed in the context of healthy population screening.